The following is an entry in ClinVar:

ClinVar aggregate classification (germline): Conflicting classifications of pathogenicity. Review status: criteria provided, conflicting classifications (1 of 4 stars). 2 submissions from 2 submitters: Uncertain significance (1); Likely benign (1). Last evaluated 2023-05-18.

Conditions:
Cardiovascular phenotype. Identifiers: MedGen CN230736.
Dilated cardiomyopathy 1DD (CMD1DD). Identifiers: Orphanet 154, MedGen C2750995, MONDO:0013168, OMIM 613172.

Allele frequency attached by ClinVar (database versions not stated): gnomAD exomes below 0.00001.
gnomAD v4.1: 3 of 1,551,488 alleles (0.00019%); highest among the groups gnomAD compares: Middle Eastern, 0.017%; no homozygotes.

Submissions (2):

Ambry Genetics
Classification: Likely benign for Cardiovascular phenotype. Last evaluated: 2023-05-18. Review status: criteria provided, single submitter. Criteria: Ambry Variant Classification Scheme 2023. Collection method: clinical testing. Allele origin: germline.

Labcorp Genetics (formerly Invitae), Labcorp
Classification: Uncertain significance for Dilated cardiomyopathy 1DD. Last evaluated: 2020-02-17. Review status: criteria provided, single submitter. Criteria: Invitae Variant Classification Sherloc (09022015). Collection method: clinical testing. Allele origin: germline.
Comment: This sequence change replaces alanine with threonine at codon 605 of the RBM20 protein (p.Ala605Thr). The alanine residue is weakly conserved and there is a small physicochemical difference between alanine and threonine. This variant is not present in population databases (ExAC no frequency). This variant has not been reported in the literature in individuals with RBM20-related conditions. Algorithms developed to predict the effect of missense changes on protein structure and function output the following: SIFT: "Tolerated"; PolyPhen-2: "Benign"; Align-GVGD: "Class C0". The threonine amino acid residue is found in multiple mammalian species, suggesting that this missense change does not adversely affect protein function. These predictions have not been confirmed by published functional studies and their clinical significance is uncertain. In summary, the available evidence is currently insufficient to determine the role of this variant in disease. Therefore, it has been classified as a Variant of Uncertain Significance.

NM_001134363.3(RBM20):c.1813G>A (p.Ala605Thr)

Gene: RBM20 (RNA binding motif protein 20; plus strand). Cytogenetic location: 10q25.2.
Variant type: single nucleotide variant.
Coding change: c.1813G>A on transcript NM_001134363.3 (MANE Select); coding-DNA position 1813, G replaced by A.
Protein change: p.Ala605Thr; replaces alanine 605 with threonine.
Molecular consequence: missense variant.
Genome position (GRCh38, 1-based): chr10:110,810,395, G>A. VCF-style: chr10-110810395-G-A. GRCh37 (hg19) VCF-style: chr10-112570153-G-A.
Other names: c.1813G>A (NM_001134363.1); short protein forms A605T.
Identifiers: ClinVar variation 939432 (VCV000939432.10), dbSNP rs1342793239, ClinGen allele CA378369008.
Genomic context (GRCh38, chr10:110,810,395, plus strand): 5'-TTTGCAAGGCCATCTCTGATCTGATGGTGATCTCTCTGACTTTGCTAGAAACCCGGGAAG[G>A]CCGTGGCTGCCATCATCCAGGACATCCATTCCCAGAGGGAGAGGGACATGTTCCGGGAAG-3'
Protein context (NP_001127835.2, residues 595-615): KELQLKKPGK[Ala605Thr]VAAIIQDIHS